The following is an entry in ClinVar:

NM_001365951.3(KIF1B):c.2897G>T (p.Arg966Leu)

Genes: KIF1B (kinesin family member 1B; plus strand), LOC126805614 (BRD4-independent group 4 enhancer GRCh37_chr1:10385546-10386745; plus strand). Cytogenetic location: 1p36.22.
Variant type: single nucleotide variant.
Coding change: c.2897G>T on transcript NM_001365951.3 (MANE Select); coding-DNA position 2897, G replaced by T.
Protein change: p.Arg966Leu; replaces arginine 966 with leucine.
Molecular consequence: missense variant.
Genome position (GRCh38, 1-based): chr1:10,326,332, G>T. VCF-style: chr1-10326332-G-T. GRCh37 (hg19) VCF-style: chr1-10386390-G-T.
Other names: c.2897G>T, p.Arg966Leu (NM_001365952.1); c.2759G>T, p.Arg920Leu (NM_015074.3); short protein forms R966L, R920L.
Identifiers: ClinVar variation 1795645 (VCV001795645.2), dbSNP rs757199221, ClinGen allele CA338337511.

ClinVar aggregate classification (germline): Uncertain significance (1 of 4 stars; one submission).

gnomAD v4.1: 1 of 1,614,180 alleles (0.000062%); highest among the groups gnomAD compares: East Asian, 0.0022%; no homozygotes.

Submission:

Ambry Genetics
Classification: Uncertain significance. Last evaluated: 2022-01-07. Review status: criteria provided, single submitter. Criteria: Ambry Variant Classification Scheme 2023. Collection method: clinical testing. Allele origin: germline.
Comment: The p.R920L variant (also known as c.2759G>T), located in coding exon 24 of the KIF1B gene, results from a G to T substitution at nucleotide position 2759. The arginine at codon 920 is replaced by leucine, an amino acid with dissimilar properties. This amino acid position is highly conserved in available vertebrate species. In addition, this alteration is predicted to be deleterious by in silico analysis. Since supporting evidence is limited at this time, the clinical significance of this alteration remains unclear.